The following is an entry in ClinVar:

ClinVar aggregate classification (germline): Uncertain significance (1 of 4 stars; one submission).

Submission:

GeneDx
Classification: Uncertain significance. Last evaluated: 2024-06-24. Review status: criteria provided, single submitter. Criteria: GeneDx Variant Classification Process June 2021. Collection method: clinical testing. Allele origin: germline.
Comment: Not observed at significant frequency in large population cohorts (gnomAD); In silico analysis supports that this missense variant has a deleterious effect on protein structure/function; Has not been previously published as pathogenic or benign to our knowledge; Variants in candidate genes are classified as variants of uncertain significance in accordance with ACMG guidelines (PMID: 25741868)

NM_006196.4(PCBP1):c.220A>G (p.Met74Val)

Genes: PCBP1 (poly(rC) binding protein 1; plus strand), PCBP1-AS1 (PCBP1 antisense RNA 1; minus strand). Cytogenetic location: 2p13.3.
Variant type: single nucleotide variant.
Coding change: c.220A>G on transcript NM_006196.4 (MANE Select); coding-DNA position 220, A replaced by G.
Protein change: p.Met74Val; replaces methionine 74 with valine.
Molecular consequence: missense variant. On other transcripts: non-coding transcript variant (5).
Genome position (GRCh38, 1-based): chr2:70,087,963, A>G. VCF-style: chr2-70087963-A-G. GRCh37 (hg19) VCF-style: chr2-70315095-A-G.
Other names: short protein forms M74V.
Identifiers: ClinVar variation 5016830 (VCV005016830.1).